The following is an entry in ClinVar:

ClinVar aggregate classification (germline): Uncertain significance (1 of 4 stars; one submission).

Submission:

Ambry Genetics
Classification: Uncertain significance. Last evaluated: 2022-05-01. Review status: criteria provided, single submitter. Criteria: Ambry Variant Classification Scheme 2023. Collection method: clinical testing. Allele origin: germline.
Comment: The p.S1299N variant (also known as c.3896G>A), located in coding exon 17 of the NPAT gene, results from a G to A substitution at nucleotide position 3896. The serine at codon 1299 is replaced by asparagine, an amino acid with highly similar properties. This amino acid position is conserved. In addition, this alteration is predicted to be tolerated by in silico analysis. Since supporting evidence is limited at this time, the clinical significance of this alteration remains unclear.

NM_002519.3(NPAT):c.3896G>A (p.Ser1299Asn)

Gene: NPAT (nuclear protein, coactivator of histone transcription; minus strand). Cytogenetic location: 11q22.3.
Variant type: single nucleotide variant.
Coding change: c.3896G>A on transcript NM_002519.3 (MANE Select); coding-DNA position 3896, G replaced by A.
Protein change: p.Ser1299Asn; replaces serine 1299 with asparagine.
Molecular consequence: missense variant.
Genome position (GRCh38, 1-based): chr11:108,161,190, C>T on the plus strand (G>A on the coding strand, the complement: NPAT is on the minus strand). VCF-style: chr11-108161190-C-T. GRCh37 (hg19) VCF-style: chr11-108031917-C-T.
Other names: c.3917G>A, p.Ser1306Asn (NM_001321307.1); short protein forms S1299N, S1306N.
Identifiers: ClinVar variation 1735944 (VCV001735944.2), dbSNP rs2496694183, ClinGen allele CA382509811.